The following is an entry in ClinVar:

NM_001065.4(TNFRSF1A):c.92T>G (p.Val31Gly)

Gene: TNFRSF1A (TNF receptor superfamily member 1A; minus strand). Cytogenetic location: 12p13.31.
Variant type: single nucleotide variant.
Coding change: c.92T>G on transcript NM_001065.4 (MANE Select); coding-DNA position 92, T replaced by G.
Protein change: p.Val31Gly; replaces valine 31 with glycine.
Molecular consequence: missense variant. On other transcripts: 5 prime UTR variant (1), non-coding transcript variant (1), intron variant (1).
Genome position (GRCh38, 1-based): chr12:6,334,192, A>C on the plus strand (T>G on the coding strand, the complement: TNFRSF1A is on the minus strand). VCF-style: chr12-6334192-A-C. GRCh37 (hg19) VCF-style: chr12-6443358-A-C.
Other names: c.-486T>G (NM_001346092.2); c.-131-327T>G (NM_001346091.2); short protein forms V31G.
Identifiers: ClinVar variation 440346 (VCV000440346.16), dbSNP rs763940329, ClinGen allele CA6405610.
Genomic context (GRCh38, chr12:6,334,192, plus strand): 5'-TGGATATATTTTCCTTGGGGACACACACTATCTCTCTTCTCCCTGTCCCCTAGGTGAGGG[A>C]CCAGTCCAATAACCCCTGAGGGGTATATTCCCACCAACAGCTCCAGGAGCACCTGGGGAA-3'
Protein context (NP_001056.1, residues 21-41): GIYPSGVIGL[Val31Gly]PHLGDREKRD

ClinVar aggregate classification (germline): Uncertain significance. Review status: criteria provided, multiple submitters, no conflicts (2 of 4 stars). 2 submissions from 2 submitters: Uncertain significance (2). Last evaluated 2025-06-04.

Conditions:
TNF receptor-associated periodic fever syndrome (TRAPS) (FPF). Also called: FAMILIAL HIBERNIAN FEVER; TNF RECEPTOR-ASSOCIATED PERIODIC SYNDROME; TUMOR NECROSIS FACTOR RECEPTOR-ASSOCIATED PERIODIC SYNDROME; TNF receptor 1-associated periodic fever syndrome; TNF Receptor-Associated Periodic Fever Syndrome; Autosomal Dominant Familial Periodic Fever. Identifiers: Orphanet 32960, MedGen C1275126, MONDO:0007727, OMIM 142680.

Allele frequency attached by ClinVar (database versions not stated): gnomAD exomes below 0.00001; ExAC 0.00001.
gnomAD v4.1: 1 of 1,614,034 alleles (0.000062%); highest among the groups gnomAD compares: Middle Eastern, 0.017%; no homozygotes.

Submissions (2):

Labcorp Genetics (formerly Invitae), Labcorp
Classification: Uncertain significance for TNF receptor-associated periodic fever syndrome (TRAPS). Last evaluated: 2025-06-04. Review status: criteria provided, single submitter. Criteria: Invitae Variant Classification Sherloc (09022015). Collection method: clinical testing. Allele origin: germline.
Comment: This sequence change replaces valine, which is neutral and non-polar, with glycine, which is neutral and non-polar, at codon 31 of the TNFRSF1A protein (p.Val31Gly). This variant is present in population databases (rs763940329, gnomAD no frequency). This variant has not been reported in the literature in individuals affected with TNFRSF1A-related conditions. ClinVar contains an entry for this variant (Variation ID: 440346). Invitae Evidence Modeling of protein sequence and biophysical properties (such as structural, functional, and spatial information, amino acid conservation, physicochemical variation, residue mobility, and thermodynamic stability) has been performed for this missense variant. However, the output from this modeling did not meet the statistical confidence thresholds required to predict the impact of this variant on TNFRSF1A protein function. In summary, the available evidence is currently insufficient to determine the role of this variant in disease. Therefore, it has been classified as a Variant of Uncertain Significance.

ARUP Laboratories, Molecular Genetics and Genomics, ARUP Laboratories
Classification: Uncertain significance. Last evaluated: 2016-12-04. Review status: criteria provided, single submitter. Criteria: ARUP Molecular Germline Variant Investigation Process. Collection method: clinical testing. Allele origin: germline.